The following is an entry in ClinVar:

NM_001371986.1(UNC80):c.4263C>T (p.Val1421=)

Gene: UNC80 (unc-80 subunit of NALCN channel complex; plus strand). Cytogenetic location: 2q34.
Variant type: single nucleotide variant.
Coding change: c.4263C>T on transcript NM_001371986.1 (MANE Select); coding-DNA position 4263, C replaced by T.
Protein change: p.Val1421=; no amino-acid change (valine 1421 retained).
Molecular consequence: synonymous variant.
Genome position (GRCh38, 1-based): chr2:209,888,247, C>T. VCF-style: chr2-209888247-C-T. GRCh37 (hg19) VCF-style: chr2-210752971-C-T.
Other names: c.4269C>T (NM_032504.1); c.4269C>T, p.Val1423= (NM_032504.2); c.4254C>T, p.Val1418= (NM_182587.4).
Identifiers: ClinVar variation 1594373 (VCV001594373.10), dbSNP rs972091458, ClinGen allele CA65037027.

ClinVar aggregate classification (germline): Likely benign. Review status: criteria provided, single submitter (1 of 4 stars). 2 submissions from 2 submitters: Likely benign (1). 1 of the submissions does not count toward it. Last evaluated 2024-10-23.

Conditions:
UNC80-related disorder. Also called: UNC80-related condition.

Allele frequency attached by ClinVar (database versions not stated): TOPMed 0.00002.
gnomAD v4.1: 32 of 1,551,478 alleles (0.0021%); highest among the groups gnomAD compares: East Asian, 0.0049%; no homozygotes.

Submissions (2):

Labcorp Genetics (formerly Invitae), Labcorp
Classification: Likely benign. Last evaluated: 2024-10-23. Review status: criteria provided, single submitter. Criteria: Invitae Variant Classification Sherloc (09022015). Collection method: clinical testing. Allele origin: germline.

PreventionGenetics, part of Exact Sciences
Classification: Likely benign for UNC80-related condition. Last evaluated: 2019-09-06. Review status: no assertion criteria provided. Collection method: clinical testing. Allele origin: germline. Not counted in ClinVar's aggregate classification.
Comment: This variant is classified as likely benign based on ACMG/AMP sequence variant interpretation guidelines (Richards et al. 2015 PMID: 25741868, with internal and published modifications).